The following is an entry in ClinVar:

ClinVar aggregate classification (germline): Pathogenic/Likely pathogenic. Review status: criteria provided, multiple submitters, no conflicts (2 of 4 stars). 3 submissions from 3 submitters: Pathogenic (1); Likely pathogenic (1). 1 of the submissions does not count toward it. Last evaluated 2026-10-01.

Conditions:
Intellectual developmental disorder, autosomal dominant 74 (MRD74). Identifiers: MedGen C5882749, MONDO:0958203, OMIM 620688.

Submissions (3):

Systems Biology Laboratory, Department of Convergent Bioscience and Informatics, Chungnam National University
Classification: Likely pathogenic for Intellectual developmental disorder, autosomal dominant 74. Last evaluated: 2026-10-01. Review status: criteria provided, single submitter. Criteria: ACMG Guidelines, 2015. Collection method: research. Allele origin: de novo. Inheritance: Autosomal dominant inheritance. Affected: yes. Observed: 1 variant allele, 1 heterozygote.
Comment: PS2 (confirmed de novo, 4) + PM4 (in-frame deletion of 9 amino acids in a LoF-intolerant gene, 2) + PM2_Supporting (1 allele in gnomAD v4.1 genomes, 1) = 7 points. HNRNPC haploinsufficiency causes MRD74 (PMID:37541189).

3billion
Classification: Pathogenic for Intellectual developmental disorder, autosomal dominant 74. Last evaluated: 2024-11-16. Review status: criteria provided, single submitter. Criteria: ACMG Guidelines, 2015. Collection method: clinical testing. Allele origin: germline. Affected: yes.
Comment: The variant is observed at an extremely low frequency in the gnomAD v4.1.0 dataset (total allele frequency: <0.001%). Predicted Consequence/Location: Inframe deletion located in a nonrepeat region: predicted to change the length of the protein and disrupt normal protein function. Functional studies provide moderate evidence of the variant having a damaging effect on the gene or gene product (PMID: 37541189). The variant has been previously reported as de novo in a similarly affected individual (PMID: 37541189). The variant has been observed in multiple (>3) similarly affected unrelated individuals (PMID: 37541189). The variant has been reported to be associated with HNRNPC related disorder (ClinVar ID: VCV000973074 /PMID: 37541189 /3billion dataset). Therefore, this variant is classified as Pathogenic according to the recommendation of ACMG/AMP guideline.

OMIM
Classification: Pathogenic for INTELLECTUAL DEVELOPMENTAL DISORDER, AUTOSOMAL DOMINANT 74. Last evaluated: 2024-01-31. Review status: no assertion criteria provided. Collection method: literature only. Allele origin: germline. Not counted in ClinVar's aggregate classification.

Literature cited by the submitters: PubMed 37541189 (cited by 3 submitters).

NM_004500.4(HNRNPC):c.850_876del (p.Arg284_Asp292del)

Gene: HNRNPC (heterogeneous nuclear ribonucleoprotein C; minus strand). Cytogenetic location: 14q11.2.
Variant type: Deletion.
Coding change: c.850_876del on transcript NM_004500.4 (MANE Select); coding-DNA positions 850 to 876, 27 bases deleted (AGAGACAGCGCCAATGGCGAGGATGAC).
Protein change: p.Arg284_Asp292del.
Genome position (GRCh38, 1-based): chr14:21,211,229-21,211,255, GTCATCCTCGCCATTGGCGCTGTCTCT deleted on the plus strand (AGAGACAGCGCCAATGGCGAGGATGAC on the coding strand, the reverse complement: HNRNPC is on the minus strand); deleting any 27 consecutive bases within chr14:21,211,229-21,211,264 gives the same sequence; the c. name uses the placement nearest the transcript's 3' end. VCF-style (leftmost placement, unchanged base first): chr14-21211228-AGTCATCCTCGCCATTGGCGCTGTCTCT-A. GRCh37 (hg19) VCF-style: chr14-21679387-AGTCATCCTCGCCATTGGCGCTGTCTCT-A.
Other names: c.889_915del27 (NM_031314.2); c.889_915del, p.Arg297_Asp305del (NM_001077442.2, NM_031314.3); c.850_876del, p.Arg284_Asp292del (NM_001077443.2).
Identifiers: ClinVar variation 973074 (VCV000973074.5), dbSNP rs1284488942, ClinGen allele CA612451070.
Genomic context (GRCh38, chr14:21,211,228, plus strand): 5'-ACAAGCGCCTAGGTAAAGAAATAATGGGATAAGATTTCTAAACCCCACTATGTGCTTAAG[AGTCATCCTCGCCATTGGCGCTGTCTCT>A]GTCATCCTCTCCTTCCTCAGCCTCTTTTTCATCATCCTTGATCAACTCCAGCTGTGAGAA-3'